The following is an entry in ClinVar:

NM_016955.4(SEPSECS):c.480_481insC (p.Lys161fs)

Gene: SEPSECS (Sep (O-phosphoserine) tRNA:Sec (selenocysteine) tRNA synthase; minus strand). Cytogenetic location: 4p15.2.
Variant type: Insertion.
Coding change: c.480_481insC on transcript NM_016955.4 (MANE Select); coding-DNA positions 480 to 481, C inserted.
Protein change: p.Lys161fs; shifts the reading frame from lysine 161.
Molecular consequence: frameshift variant.
Genome position: GRCh38 VCF-style: chr4-25156103-T-TG. GRCh37 (hg19) VCF-style: chr4-25157725-T-TG.
Other names: short protein forms K161fs.
Identifiers: ClinVar variation 1453126 (VCV001453126.6), dbSNP rs2109034069, ClinGen allele CA2573137666.

ClinVar aggregate classification (germline): Pathogenic (1 of 4 stars; one submission).

Submission:

Labcorp Genetics (formerly Invitae), Labcorp
Classification: Pathogenic. Last evaluated: 2021-10-02. Review status: criteria provided, single submitter. Criteria: Invitae Variant Classification Sherloc (09022015). Collection method: clinical testing. Allele origin: germline.
Comment: This variant has not been reported in the literature in individuals affected with SEPSECS-related conditions. For these reasons, this variant has been classified as Pathogenic. This variant is not present in population databases (ExAC no frequency). This sequence change creates a premature translational stop signal (p.Lys161Glnfs*17) in the SEPSECS gene. It is expected to result in an absent or disrupted protein product. Loss-of-function variants in SEPSECS are known to be pathogenic (PMID: 25558065, 25590979, 26115735).

Literature cited by the submitters: PubMed 25558065; PubMed 25590979; PubMed 26115735.